The following is an entry in ClinVar:

ClinVar aggregate classification (germline): Uncertain significance. Review status: criteria provided, multiple submitters, no conflicts (2 of 4 stars). 2 submissions from 2 submitters: Uncertain significance (2). Last evaluated 2024-10-01.

Conditions:
Polycystic liver disease 4 with or without kidney cysts. Identifiers: MedGen C4693479, MONDO:0044327, OMIM 617875.
Exudative vitreoretinopathy 4 (EVR4). Identifiers: Orphanet 891, MedGen C1866176, MONDO:0011151, OMIM 601813.
Worth disease. Also called: Autosomal dominant osteosclerosis, Worth type; ENDOSTEAL HYPEROSTOSIS, AUTOSOMAL DOMINANT; OSTEOSCLEROSIS, AUTOSOMAL DOMINANT. Identifiers: Orphanet 2790, MedGen C0432273, MONDO:0007764, OMIM 144750.
Bone mineral density quantitative trait locus 1 (BMND1). Identifiers: MedGen C1866079, OMIM 601884.
Autosomal dominant osteopetrosis 1 (OPTA1). Also called: OSTEOPETROSIS, AUTOSOMAL DOMINANT, TYPE I. Identifiers: Orphanet 2783, MedGen C1843330, MONDO:0011877, OMIM 607634.
Osteoporosis with pseudoglioma (OPPG). Also called: osteoporosis-pseudoglioma syndrome. Identifiers: Orphanet 2788, MedGen C0432252, MONDO:0009820, OMIM 259770.

gnomAD v4.1: 17 of 1,613,962 alleles (0.0011%); highest among the groups gnomAD compares: South Asian, 0.0022%; no homozygotes.

Submissions (2):

Labcorp Genetics (formerly Invitae), Labcorp
Classification: Uncertain significance. Last evaluated: 2024-10-01. Review status: criteria provided, single submitter. Criteria: Invitae Variant Classification Sherloc (09022015). Collection method: clinical testing. Allele origin: germline.
Comment: This sequence change replaces arginine, which is basic and polar, with histidine, which is basic and polar, at codon 997 of the LRP5 protein (p.Arg997His). This variant is present in population databases (rs750144525, gnomAD 0.003%). This variant has not been reported in the literature in individuals affected with LRP5-related conditions. Invitae Evidence Modeling of protein sequence and biophysical properties (such as structural, functional, and spatial information, amino acid conservation, physicochemical variation, residue mobility, and thermodynamic stability) indicates that this missense variant is not expected to disrupt LRP5 protein function with a negative predictive value of 95%. In summary, the available evidence is currently insufficient to determine the role of this variant in disease. Therefore, it has been classified as a Variant of Uncertain Significance.

Fulgent Genetics
Classification: Uncertain significance for Worth disease; Osteoporosis with pseudoglioma; Exudative vitreoretinopathy 4; Bone mineral density quantitative trait locus 1; Autosomal dominant osteopetrosis 1; Polycystic liver disease 4 with or without kidney cysts. Last evaluated: 2024-05-14. Review status: criteria provided, single submitter. Criteria: ACMG Guidelines, 2015. Collection method: clinical testing. Allele origin: germline.

NM_002335.4(LRP5):c.2990G>A (p.Arg997His)

Gene: LRP5 (LDL receptor related protein 5; plus strand). Cytogenetic location: 11q13.2.
Variant type: single nucleotide variant.
Coding change: c.2990G>A on transcript NM_002335.4 (MANE Select); coding-DNA position 2990, G replaced by A.
Protein change: p.Arg997His; replaces arginine 997 with histidine.
Molecular consequence: missense variant.
Genome position (GRCh38, 1-based): chr11:68,416,490, G>A. VCF-style: chr11-68416490-G-A. GRCh37 (hg19) VCF-style: chr11-68183958-G-A.
Other names: c.1247G>A, p.Arg416His (NM_001291902.2); short protein forms R997H, R416H.
Identifiers: ClinVar variation 3600222 (VCV003600222.3).